The following is an entry in ClinVar:

NM_001386298.1(CIC):c.5501C>T (p.Pro1834Leu)

Gene: CIC (capicua transcriptional repressor; plus strand). Cytogenetic location: 19q13.2.
Variant type: single nucleotide variant.
Coding change: c.5501C>T on transcript NM_001386298.1 (MANE Select); coding-DNA position 5501, C replaced by T.
Protein change: p.Pro1834Leu; replaces proline 1834 with leucine.
Molecular consequence: missense variant.
Genome position (GRCh38, 1-based): chr19:42,291,633, C>T. VCF-style: chr19-42291633-C-T. GRCh37 (hg19) VCF-style: chr19-42795785-C-T.
Other names: c.2774C>T (NM_015125.3); c.5501C>T, p.Pro1834Leu (NM_001304815.2, NM_001379480.1, NM_001379482.1 and 1 more transcripts); c.2774C>T, p.Pro925Leu (NM_001379484.1, NM_001379485.1, NM_015125.5); short protein forms P1834L, P925L.
Identifiers: ClinVar variation 2429946 (VCV002429946.4), dbSNP rs2147280018, ClinGen allele CA406112419.

ClinVar aggregate classification (germline): Conflicting classifications of pathogenicity. Review status: criteria provided, conflicting classifications (1 of 4 stars). 2 submissions from 2 submitters: Likely pathogenic (1); Uncertain significance (1). Last evaluated 2026-02-10.

Conditions:
Intellectual developmental disorder, autosomal dominant 45. Also called: MENTAL RETARDATION, AUTOSOMAL DOMINANT 45; Intellectual disability, autosomal dominant 45. Identifiers: MedGen C4539848, MONDO:0030910, OMIM 617600.

Allele frequency attached by ClinVar (database versions not stated): gnomAD exomes below 0.00001.
gnomAD v4.1: 1 of 1,613,014 alleles (0.000062%); highest among the groups gnomAD compares: Non-Finnish European, 0.000085%; no homozygotes.

Submissions (2):

GeneDx
Classification: Uncertain significance. Last evaluated: 2026-02-10. Review status: criteria provided, single submitter. Criteria: GeneDx Variant Classification Process June 2021. Collection method: clinical testing. Allele origin: germline.
Comment: Not observed at significant frequency in large population cohorts (gnomAD); In silico analysis supports that this missense variant has a deleterious effect on protein structure/function; Has not been previously published as pathogenic or benign to our knowledge

Department of Genetics, Rouen University Hospital, Normandy Center for Genomic and Personalized Medicine
Classification: Likely pathogenic for Intellectual developmental disorder, autosomal dominant 45. Last evaluated: 2022-05-30. Review status: criteria provided, single submitter. Criteria: ACMG Guidelines, 2015. Collection method: clinical testing. Allele origin: de novo. Affected: yes.